The following is an entry in ClinVar:

NM_030773.4(TUBB1):c.1320G>A (p.Glu440=)

Gene: TUBB1 (tubulin beta 1 class VI; plus strand). Cytogenetic location: 20q13.32.
Variant type: single nucleotide variant.
Coding change: c.1320G>A on transcript NM_030773.4 (MANE Select); coding-DNA position 1320, G replaced by A.
Protein change: p.Glu440=; no amino-acid change (glutamic acid 440 retained).
Molecular consequence: synonymous variant.
Genome position (GRCh38, 1-based): chr20:59,024,747, G>A. VCF-style: chr20-59024747-G-A. GRCh37 (hg19) VCF-style: chr20-57599802-G-A.
Other names: p.Glu440=.
Identifiers: ClinVar variation 2896428 (VCV002896428.5), dbSNP rs373986794, ClinGen allele CA9928697.

ClinVar aggregate classification (germline): Likely benign. Review status: criteria provided, multiple submitters, no conflicts (2 of 4 stars). 3 submissions from 3 submitters: Likely benign (3). Last evaluated 2025-12-26.

Allele frequency attached by ClinVar (database versions not stated): gnomAD exomes 0.00001; ExAC 0.00002; ESP Exome Variant Server 0.00008; gnomAD 0.00009; TOPMed 0.00011.
gnomAD v4.1: 30 of 1,614,016 alleles (0.0019%); highest among the groups gnomAD compares: African/African-American, 0.035%; no homozygotes.

Submissions (3):

Women's Health and Genetics/Laboratory Corporation of America, LabCorp
Classification: Likely benign. Last evaluated: 2025-12-26. Review status: criteria provided, single submitter. Criteria: LabCorp Variant Classification Summary - May 2015. Collection method: clinical testing. Allele origin: germline.

Mayo Clinic Laboratories, Mayo Clinic
Classification: Likely benign. Last evaluated: 2025-01-02. Review status: criteria provided, single submitter. Criteria: ACMG Guidelines, 2015. Collection method: clinical testing. Allele origin: germline. Observed: 1 variant allele.
Comment: BP4, BP7

Labcorp Genetics (formerly Invitae), Labcorp
Classification: Likely benign. Last evaluated: 2024-12-10. Review status: criteria provided, single submitter. Criteria: Invitae Variant Classification Sherloc (09022015). Collection method: clinical testing. Allele origin: germline.